The following is an entry in ClinVar:

ClinVar aggregate classification (germline): Uncertain significance (1 of 4 stars; one submission).

Submission:

Labcorp Genetics (formerly Invitae), Labcorp
Classification: Uncertain significance. Last evaluated: 2023-10-13. Review status: criteria provided, single submitter. Criteria: Invitae Variant Classification Sherloc (09022015). Collection method: clinical testing. Allele origin: germline.
Comment: This sequence change replaces serine, which is neutral and polar, with proline, which is neutral and non-polar, at codon 484 of the BEST1 protein (p.Ser484Pro). This variant is not present in population databases (gnomAD no frequency). This variant has not been reported in the literature in individuals affected with BEST1-related conditions. ClinVar contains an entry for this variant (Variation ID: 2131462). Advanced modeling of protein sequence and biophysical properties (such as structural, functional, and spatial information, amino acid conservation, physicochemical variation, residue mobility, and thermodynamic stability) has been performed at Invitae for this missense variant, however the output from this modeling did not meet the statistical confidence thresholds required to predict the impact of this variant on BEST1 protein function. In summary, the available evidence is currently insufficient to determine the role of this variant in disease. Therefore, it has been classified as a Variant of Uncertain Significance.

NM_004183.4(BEST1):c.1450T>C (p.Ser484Pro)

Gene: BEST1 (bestrophin 1; plus strand). Cytogenetic location: 11q12.3.
Variant type: single nucleotide variant.
Coding change: c.1450T>C on transcript NM_004183.4 (MANE Select); coding-DNA position 1450, T replaced by C.
Protein change: p.Ser484Pro; replaces serine 484 with proline.
Molecular consequence: missense variant. On other transcripts: non-coding transcript variant (1).
Genome position (GRCh38, 1-based): chr11:61,962,604, T>C. VCF-style: chr11-61962604-T-C. GRCh37 (hg19) VCF-style: chr11-61730076-T-C.
Other names: c.1270T>C, p.Ser424Pro (NM_001139443.3, NM_001300787.2); c.1189T>C, p.Ser397Pro (NM_001300786.2); c.1132T>C, p.Ser378Pro (NM_001363591.3); c.*345T>C (NM_001363592.2); c.478T>C, p.Ser160Pro (NM_001363593.3); short protein forms S397P, S160P, S424P, S378P, S484P.
Identifiers: ClinVar variation 2131462 (VCV002131462.4), dbSNP rs2541415250, ClinGen allele CA380849026.